The following is an entry in ClinVar:

NM_000275.3(OCA2):c.2058A>C (p.Ala686=)

Gene: OCA2 (OCA2 melanosomal transmembrane protein; minus strand). Cytogenetic location: 15q13.1.
Variant type: single nucleotide variant.
Coding change: c.2058A>C on transcript NM_000275.3 (MANE Select); coding-DNA position 2058, A replaced by C.
Protein change: p.Ala686=; no amino-acid change (alanine 686 retained).
Molecular consequence: synonymous variant.
Genome position (GRCh38, 1-based): chr15:27,926,148, T>G on the plus strand (A>C on the coding strand, the complement: OCA2 is on the minus strand). VCF-style: chr15-27926148-T-G. GRCh37 (hg19) VCF-style: chr15-28171294-T-G.
Other names: c.1986A>C, p.Ala662= (NM_001300984.2).
Identifiers: ClinVar variation 255727 (VCV000255727.16), dbSNP rs1800416, ClinGen allele CA7438781.

ClinVar aggregate classification (germline): Benign. Review status: criteria provided, multiple submitters, no conflicts (2 of 4 stars). 5 submissions from 5 submitters: Benign (5). Last evaluated 2026-05-04.

Conditions:
Tyrosinase-positive oculocutaneous albinism (OCA2). Also called: ALBINISM II; Oculocutaneous albinism type 2; Albinism, oculocutaneous, type II. Identifiers: Orphanet 79432, MedGen C0268495, MONDO:0008746, OMIM 203200.

Allele frequency attached by ClinVar (database versions not stated): gnomAD 0.05476; TOPMed 0.06058; ESP Exome Variant Server 0.06174; 1000 Genomes Project 0.06450; 1000 Genomes Project 30x 0.06996.
gnomAD v4.1: 16,805 of 1,614,022 alleles (1%); highest among the groups gnomAD compares: African/African-American, 19%; 1,439 homozygotes.

Submissions (5):

Women's Health and Genetics/Laboratory Corporation of America, LabCorp
Classification: Benign. Last evaluated: 2026-05-04. Review status: criteria provided, single submitter. Criteria: LabCorp Variant Classification Summary - May 2015. Collection method: clinical testing. Allele origin: germline.

Labcorp Genetics (formerly Invitae), Labcorp
Classification: Benign. Last evaluated: 2026-02-04. Review status: criteria provided, single submitter. Criteria: Invitae Variant Classification Sherloc (09022015). Collection method: clinical testing. Allele origin: germline.

Illumina Laboratory Services, Illumina
Classification: Benign for Tyrosinase-positive oculocutaneous albinism. Last evaluated: 2018-01-13. Review status: criteria provided, single submitter. Criteria: ICSL Variant Classification Criteria 13 December 2019. Collection method: clinical testing. Allele origin: germline.
Comment: This variant was observed in the ICSL laboratory as part of a predisposition screen in an ostensibly healthy population. It had not been previously curated by ICSL or reported in the Human Gene Mutation Database (HGMD: prior to June 1st, 2018), and was therefore a candidate for classification through an automated scoring system. Utilizing variant allele frequency, disease prevalence and penetrance estimates, and inheritance mode, an automated score was calculated to assess if this variant is too frequent to cause the disease. Based on the score and internal cut-off values, a variant classified as benign is not then subjected to further curation. The score for this variant resulted in a classification of benign for this disease.

Breakthrough Genomics
Classification: Benign. Review status: criteria provided, single submitter. Criteria: ACMG Guidelines, 2015. Collection method: not provided. Allele origin: germline. Inheritance: Autosomal recessive inheritance. Affected: yes.

PreventionGenetics, part of Exact Sciences
Classification: Benign. Review status: criteria provided, single submitter. Criteria: ACMG Guidelines, 2015. Collection method: clinical testing. Allele origin: germline.